The following is an entry in ClinVar:

NM_022765.4(MICAL1):c.361C>T (p.Arg121Cys)

Gene: MICAL1 (microtubule associated monooxygenase, calponin and LIM domain containing 1; minus strand). Cytogenetic location: 6q21.
Variant type: single nucleotide variant.
Coding change: c.361C>T on transcript NM_022765.4 (MANE Select); coding-DNA position 361, C replaced by T.
Protein change: p.Arg121Cys; replaces arginine 121 with cysteine.
Molecular consequence: missense variant.
Genome position (GRCh38, 1-based): chr6:109,453,743, G>A on the plus strand (C>T on the coding strand, the complement: MICAL1 is on the minus strand). VCF-style: chr6-109453743-G-A. GRCh37 (hg19) VCF-style: chr6-109774946-G-A.
Other names: c.361C>T, p.Arg121Cys (NM_001159291.2); c.418C>T, p.Arg140Cys (NM_001286613.2); c.361C>T (NM_022765.3); short protein forms R121C, R140C.
Identifiers: ClinVar variation 2179051 (VCV002179051.5), dbSNP rs540868259, ClinGen allele CA3953807.

ClinVar aggregate classification (germline): Uncertain significance. Review status: criteria provided, multiple submitters, no conflicts (2 of 4 stars). 2 submissions from 2 submitters: Uncertain significance (2). Last evaluated 2025-10-29.

Allele frequency attached by ClinVar (database versions not stated): TOPMed below 0.00001; ExAC 0.00002; gnomAD 0.00003; 1000 Genomes Project 30x 0.00016; 1000 Genomes Project 0.00020.
gnomAD v4.1: 28 of 1,613,802 alleles (0.0017%); highest among the groups gnomAD compares: South Asian, 0.012%; no homozygotes.

Submissions (2):

Ambry Genetics
Classification: Uncertain significance. Last evaluated: 2025-10-29. Review status: criteria provided, single submitter. Criteria: Ambry Variant Classification Scheme 2023. Collection method: clinical testing. Allele origin: germline.

Labcorp Genetics (formerly Invitae), Labcorp
Classification: Uncertain significance. Last evaluated: 2024-08-30. Review status: criteria provided, single submitter. Criteria: Invitae Variant Classification Sherloc (09022015). Collection method: clinical testing. Allele origin: germline.
Comment: This sequence change replaces arginine, which is basic and polar, with cysteine, which is neutral and slightly polar, at codon 140 of the MICAL1 protein (p.Arg140Cys). This variant is present in population databases (rs540868259, gnomAD 0.02%). This variant has not been reported in the literature in individuals affected with MICAL1-related conditions. ClinVar contains an entry for this variant (Variation ID: 2179051). An algorithm developed to predict the effect of missense changes on protein structure and function (PolyPhen-2) suggests that this variant is likely to be disruptive. In summary, the available evidence is currently insufficient to determine the role of this variant in disease. Therefore, it has been classified as a Variant of Uncertain Significance.